The following is an entry in ClinVar:

ClinVar aggregate classification (germline): Uncertain significance. Review status: criteria provided, multiple submitters, no conflicts (2 of 4 stars). 2 submissions from 2 submitters: Uncertain significance (2). Last evaluated 2025-05-01.

Conditions:
Inborn genetic diseases. Identifiers: MedGen C0950123, MeSH D030342.
COG7 congenital disorder of glycosylation (CDG2E). Also called: CDG IIe; CONGENITAL DISORDER OF GLYCOSYLATION, TYPE IIe. Identifiers: Orphanet 79333, MedGen C2931010, MONDO:0012118, OMIM 608779.

Allele frequency attached by ClinVar (database versions not stated): gnomAD 0.00002; TOPMed 0.00003.

Submissions (2):

Ambry Genetics
Classification: Uncertain significance for Inborn genetic diseases. Last evaluated: 2025-05-01. Review status: criteria provided, single submitter. Criteria: Ambry Variant Classification Scheme 2023. Collection method: clinical testing. Allele origin: germline.

Labcorp Genetics (formerly Invitae), Labcorp
Classification: Uncertain significance for COG7 congenital disorder of glycosylation. Last evaluated: 2022-08-21. Review status: criteria provided, single submitter. Criteria: Invitae Variant Classification Sherloc (09022015). Collection method: clinical testing. Allele origin: germline.
Comment: In summary, the available evidence is currently insufficient to determine the role of this variant in disease. Therefore, it has been classified as a Variant of Uncertain Significance. Algorithms developed to predict the effect of missense changes on protein structure and function (SIFT, PolyPhen-2, Align-GVGD) all suggest that this variant is likely to be tolerated. ClinVar contains an entry for this variant (Variation ID: 1507588). This variant has not been reported in the literature in individuals affected with COG7-related conditions. This variant is present in population databases (rs757810496, gnomAD 0.03%). This sequence change replaces glutamic acid, which is acidic and polar, with lysine, which is basic and polar, at codon 277 of the COG7 protein (p.Glu277Lys).

NM_153603.4(COG7):c.829G>A (p.Glu277Lys)

Gene: COG7 (component of oligomeric golgi complex 7; minus strand). Cytogenetic location: 16p12.2.
Variant type: single nucleotide variant.
Coding change: c.829G>A on transcript NM_153603.4 (MANE Select); coding-DNA position 829, G replaced by A.
Protein change: p.Glu277Lys; replaces glutamic acid 277 with lysine.
Molecular consequence: missense variant.
Genome position (GRCh38, 1-based): chr16:23,424,929, C>T on the plus strand (G>A on the coding strand, the complement: COG7 is on the minus strand). VCF-style: chr16-23424929-C-T. GRCh37 (hg19) VCF-style: chr16-23436250-C-T.
Other names: c.829G>A (NM_153603.3); short protein forms E277K.
Identifiers: ClinVar variation 1507588 (VCV001507588.5), dbSNP rs757810496, ClinGen allele CA7961165.